The following is an entry in ClinVar:

NM_005883.3(APC2):c.1187_1192dup (p.Gly397_Gly398insGluGly)

Gene: APC2 (APC regulator of Wnt signaling pathway 2; plus strand). Cytogenetic location: 19p13.3.
Variant type: Duplication.
Coding change: c.1187_1192dup on transcript NM_005883.3 (MANE Select); coding-DNA positions 1187 to 1192, 6 bases duplicated (AGGGAG; older notation c.1187_1192dupAGGGAG).
Protein change: p.Gly397_Gly398insGluGly.
Molecular consequence: inframe insertion.
Genome position (GRCh38, 1-based): chr19:1,457,223-1,457,228, AGGGAG duplicated; duplicating any 6 consecutive bases within chr19:1,457,222-1,457,228 gives the same sequence; the c. name uses the placement nearest the transcript's 3' end. VCF-style (leftmost placement, unchanged base first): chr19-1457221-C-CGAGGGA. GRCh37 (hg19) VCF-style: chr19-1457220-C-CGAGGGA.
Other names: c.1184_1189dup, p.Gly396_Gly397insGluGly (NM_001351273.1).
Identifiers: ClinVar variation 1976436 (VCV001976436.5), dbSNP rs1401279310, ClinGen allele CA783507569.

ClinVar aggregate classification (germline): Uncertain significance (1 of 4 stars; one submission).

Submission:

Labcorp Genetics (formerly Invitae), Labcorp
Classification: Uncertain significance. Last evaluated: 2023-11-27. Review status: criteria provided, single submitter. Criteria: Invitae Variant Classification Sherloc (09022015). Collection method: clinical testing. Allele origin: germline.
Comment: This variant, c.1187_1192dup, results in the insertion of 2 amino acid(s) of the APC2 protein (p.Glu396_Gly397dup), but otherwise preserves the integrity of the reading frame. This variant is not present in population databases (gnomAD no frequency). This variant has not been reported in the literature in individuals affected with APC2-related conditions. ClinVar contains an entry for this variant (Variation ID: 1976436). In summary, the available evidence is currently insufficient to determine the role of this variant in disease. Therefore, it has been classified as a Variant of Uncertain Significance.